The following is an entry in ClinVar:

ClinVar aggregate classification (germline): Uncertain significance (1 of 4 stars; one submission).

Conditions:
Inborn genetic diseases. Identifiers: MedGen C0950123, MeSH D030342.

Submission:

Ambry Genetics
Classification: Uncertain significance for Inborn genetic diseases. Last evaluated: 2021-02-22. Review status: criteria provided, single submitter. Criteria: Ambry Variant Classification Scheme 2023. Collection method: clinical testing. Allele origin: germline.
Comment: The c.3489T>G (p.H1163Q) alteration is located in exon 26 (coding exon 26) of the TAF2 gene. This alteration results from a T to G substitution at nucleotide position 3489, causing the histidine (H) at amino acid position 1163 to be replaced by a glutamine (Q). The p.H1163Q alteration is predicted to be tolerated by in silico analysis. Based on insufficient or conflicting evidence, the clinical significance of this alteration remains unclear.

NM_003184.4(TAF2):c.3489T>G (p.His1163Gln)

Gene: TAF2 (TATA-box binding protein associated factor 2; minus strand). Cytogenetic location: 8q24.12.
Variant type: single nucleotide variant.
Coding change: c.3489T>G on transcript NM_003184.4 (MANE Select); coding-DNA position 3489, T replaced by G.
Protein change: p.His1163Gln; replaces histidine 1163 with glutamine.
Molecular consequence: missense variant.
Genome position (GRCh38, 1-based): chr8:119,732,035, A>C on the plus strand (T>G on the coding strand, the complement: TAF2 is on the minus strand). VCF-style: chr8-119732035-A-C. GRCh37 (hg19) VCF-style: chr8-120744275-A-C.
Other names: short protein forms H1163Q.
Identifiers: ClinVar variation 2229400 (VCV002229400.2), dbSNP rs2488061760, ClinGen allele CA371881747.
Genomic context (GRCh38, chr8:119,732,035, plus strand): 5'-GAAAGTGAAAGGCTCCTTGTCCTTTTCTTTACTGTCATGCTTATGCTTGTGTTTGTGCTT[A>C]TGTTTATGCTTCTTCTTCTTTTTCTTGTGCTCATGGTGATGGTGGTGATGGTGGTCACTG-3'
Protein context (NP_003175.2, residues 1153-1173): EHKKKKKKHK[His1163Gln]KHKHKHKHDS